The following is an entry in ClinVar:

ClinVar aggregate classification (germline): Benign (1 of 4 stars; one submission).

Conditions:
Leigh syndrome (NULS). Also called: Leigh's necrotizing encephalopathy; Leigh's disease; Leigh Syndrome (mtDNA deletion); Leigh Disease; Subacute necrotizing encephalopathy; Necrotizing encephalopathy infantile subacute of Leigh. Identifiers: Orphanet 506, MedGen C2931891, MONDO:0009723, OMIM 256000.

Submission:

Wong Mito Lab, Molecular and Human Genetics, Baylor College of Medicine
Classification: Benign for Leigh syndrome. Last evaluated: 2019-10-17. Review status: criteria provided, single submitter. Criteria: Modified ACMG Guidelines (Unpublished). Collection method: clinical testing. Allele origin: germline.
Comment: The NC_012920.1:m.8566A>G (YP_003024031.1:p.Ile14Val) variant in MTATP6 gene is interpretated to be a Benign variant based on the modified ACMG guidelines (unpublished). This variant meets the following evidence codes: BA1

NC_012920.1(MT-ATP8):m.8566A>G

Genes: MT-ATP6 (mitochondrially encoded ATP synthase 6; plus strand), MT-ATP8 (mitochondrially encoded ATP synthase 8; plus strand).
Variant type: single nucleotide variant.
Genome position: chrM-8566-A-G.
Identifiers: ClinVar variation 692904 (VCV000692904.1), dbSNP rs3020563, ClinGen allele CA337097927.